The following is an entry in ClinVar:

NM_015021.3(ZNF292):c.2971_2973del (p.Glu991del)

Gene: ZNF292 (zinc finger protein 292; plus strand). Cytogenetic location: 6q14.3.
Variant type: Deletion.
Coding change: c.2971_2973del on transcript NM_015021.3 (MANE Select); coding-DNA positions 2971 to 2973, 3 bases deleted (GAA; older notation c.2971_2973delGAA).
Protein change: p.Glu991del; deletes glutamic acid 991.
Molecular consequence: inframe deletion.
Genome position (GRCh38, 1-based): chr6:87,256,600-87,256,602, GAA deleted; deleting any 3 consecutive bases within chr6:87,256,598-87,256,602 gives the same sequence; the c. name uses the placement nearest the transcript's 3' end. VCF-style (leftmost placement, unchanged base first): chr6-87256597-AAAG-A. GRCh37 (hg19) VCF-style: chr6-87966315-AAAG-A.
Other names: c.2551_2553del, p.Glu851del (NM_001351444.2); short protein forms E851del, E991del.
Identifiers: ClinVar variation 1810703 (VCV001810703.2), dbSNP rs2482307101, ClinGen allele CA2580075940.

ClinVar aggregate classification (germline): Uncertain significance (1 of 4 stars; one submission).

Submission:

GeneDx
Classification: Uncertain significance. Last evaluated: 2024-11-25. Review status: criteria provided, single submitter. Criteria: GeneDx Variant Classification Process June 2021. Collection method: clinical testing. Allele origin: germline.
Comment: Not observed at significant frequency in large population cohorts (gnomAD); In-frame deletion of 1 amino acid(s) in a non-repeat region; In silico analysis indicates that this variant does not alter protein structure/function; Has not been previously published as pathogenic or benign to our knowledge